The following is an entry in ClinVar:

ClinVar aggregate classification (germline): Benign. Review status: criteria provided, multiple submitters, no conflicts (2 of 4 stars). 4 submissions from 4 submitters: Benign (3). 1 of the submissions does not count toward it. Last evaluated 2026-01-29.

Conditions:
HERC1-related disorder. Also called: HERC1-related condition.

Allele frequency attached by ClinVar (database versions not stated): gnomAD 0.00016 and 0.00308; ESP Exome Variant Server 0.00025; TOPMed 0.00056; 1000 Genomes Project 30x 0.01858; 1000 Genomes Project 0.01977.
gnomAD v4.1: 8,071 of 1,613,988 alleles (0.5%); highest among the groups gnomAD compares: South Asian, 8.4%; 361 homozygotes.

Submissions (4):

Labcorp Genetics (formerly Invitae), Labcorp
Classification: Benign. Last evaluated: 2026-01-29. Review status: criteria provided, single submitter. Criteria: Invitae Variant Classification Sherloc (09022015). Collection method: clinical testing. Allele origin: germline.

GeneDx
Classification: Benign. Last evaluated: 2020-12-12. Review status: criteria provided, single submitter. Criteria: GeneDx Variant Classification Process June 2021. Collection method: clinical testing. Allele origin: germline. Affected: yes.

Breakthrough Genomics
Classification: Benign. Review status: criteria provided, single submitter. Criteria: ACMG Guidelines, 2015. Collection method: not provided. Allele origin: germline. Inheritance: Autosomal recessive inheritance. Affected: yes.

PreventionGenetics, part of Exact Sciences
Classification: Benign for HERC1-related condition. Last evaluated: 2020-01-07. Review status: no assertion criteria provided. Collection method: clinical testing. Allele origin: germline. Not counted in ClinVar's aggregate classification.
Comment: This variant is classified as benign based on ACMG/AMP sequence variant interpretation guidelines (Richards et al. 2015 PMID: 25741868, with internal and published modifications).

NM_003922.4(HERC1):c.228C>G (p.Asp76Glu)

Gene: HERC1 (HECT and RLD domain containing E3 ubiquitin protein ligase family member 1; minus strand). Cytogenetic location: 15q22.31.
Variant type: single nucleotide variant.
Coding change: c.228C>G on transcript NM_003922.4 (MANE Select); coding-DNA position 228, C replaced by G.
Protein change: p.Asp76Glu; replaces aspartic acid 76 with glutamic acid.
Molecular consequence: missense variant.
Genome position (GRCh38, 1-based): chr15:63,775,396, G>C on the plus strand (C>G on the coding strand, the complement: HERC1 is on the minus strand). VCF-style: chr15-63775396-G-C. GRCh37 (hg19) VCF-style: chr15-64067595-G-C.
Other names: short protein forms D76E.
Identifiers: ClinVar variation 1276746 (VCV001276746.12), dbSNP rs376195217, ClinGen allele CA7606688.